The following is an entry in ClinVar:

ClinVar aggregate classification (germline): Conflicting classifications of pathogenicity. Review status: criteria provided, conflicting classifications (1 of 4 stars). 2 submissions from 2 submitters: Uncertain significance (1); Likely benign (1). Last evaluated 2021-10-27.

Allele frequency attached by ClinVar (database versions not stated): gnomAD below 0.00001 and 0.00001; gnomAD exomes below 0.00001 and 0.00001; TOPMed below 0.00001; ExAC 0.00001.
gnomAD v4.1: 7 of 1,613,188 alleles (0.00043%); highest among the groups gnomAD compares: East Asian, 0.0045%; no homozygotes.

Submissions (2):

Blueprint Genetics
Classification: Likely benign. Last evaluated: 2021-10-27. Review status: criteria provided, single submitter. Criteria: ACMG Guidelines, 2015. Collection method: clinical testing. Allele origin: germline.

GeneDx
Classification: Uncertain significance. Last evaluated: 2014-09-04. Review status: criteria provided, single submitter. Criteria: GeneDx Variant Classification (06012015). Collection method: clinical testing. Allele origin: germline. Affected: yes.
Comment: Missense variants in the TTN gene are considered 'unclassified' if they are not previously reported in the literature and do not have >1% frequency in the population to be considered a polymorphism. Research indicates that truncating mutations in the TTN gene are expected to account for approximately 25% of familial and 18% of sporadic idiopathic DCM; however, truncating variants in the TTN gene have been reported in approximately 3% of reported control alleles. There has been little investigation into non-truncating variants. (Herman D et al. Truncations of titin causing dilated cardiomyopathy. N Eng J Med 366:619-628, 2012) The variant is found in CARDIOMYOPATHY panel(s).

NM_001267550.2(TTN):c.67409T>C (p.Ile22470Thr)

Genes: TTN-AS1 (TTN antisense RNA 1; plus strand), TTN (titin; minus strand). Cytogenetic location: 2q31.2.
Variant type: single nucleotide variant.
Coding change: c.67409T>C on transcript NM_001267550.2 (MANE Select); coding-DNA position 67409, T replaced by C.
Protein change: p.Ile22470Thr; replaces isoleucine 22470 with threonine.
Molecular consequence: missense variant.
Genome position (GRCh38, 1-based): chr2:178,579,788, A>G on the plus strand (T>C on the coding strand, the complement: TTN is on the minus strand). VCF-style: chr2-178579788-A-G. GRCh37 (hg19) VCF-style: chr2-179444515-A-G.
Other names: p.I20829T:ATT>ACT; c.62486T>C, p.Ile20829Thr (NM_001256850.1); c.40214T>C, p.Ile13405Thr (NM_003319.4); c.59705T>C, p.Ile19902Thr (NM_133378.4); c.40589T>C, p.Ile13530Thr (NM_133432.3); c.40790T>C, p.Ile13597Thr (NM_133437.4); short protein forms I20829T, I22470T, I13405T, I19902T, I13597T, I13530T.
Identifiers: ClinVar variation 202810 (VCV000202810.3), dbSNP rs746559118, ClinGen allele CA310358.